The following is an entry in ClinVar:

ClinVar aggregate classification (germline): Conflicting classifications of pathogenicity. Review status: criteria provided, conflicting classifications (1 of 4 stars). 13 submissions from 13 submitters: Uncertain significance (11); Likely benign (2). Last evaluated 2026-03-01.

Conditions:
BAP1-related disorder. Also called: BAP1-related condition.
Hereditary cancer-predisposing syndrome. Also called: Hereditary neoplastic syndrome; Tumor predisposition; Neoplastic Syndromes, Hereditary; Hereditary Cancer Syndrome. Identifiers: Orphanet 140162, MedGen C0027672, MeSH D009386, MONDO:0015356.
BAP1-related tumor predisposition syndrome (TPDS1). Also called: Tumor susceptibility linked to germline BAP1 mutations; TUMOR PREDISPOSITION SYNDROME 1; BAP1 tumor predisposition syndrome; COMMON Syndrome. Identifiers: Orphanet 289539, MedGen C3280492, MONDO:0013692, OMIM 614327.

Allele frequency attached by ClinVar (database versions not stated): gnomAD exomes 0.00002 and 0.00003; TOPMed 0.00003; ExAC 0.00004; gnomAD 0.00004 and 0.00005; 1000 Genomes Project 30x 0.00016; 1000 Genomes Project 0.00020.
gnomAD v4.1: 36 of 1,612,114 alleles (0.0022%); highest among the groups gnomAD compares: African/African-American, 0.0053%; no homozygotes.

Submissions (13):

CeGaT Center for Human Genetics Tuebingen
Classification: Uncertain significance. Last evaluated: 2026-03-01. Review status: criteria provided, single submitter. Criteria: CeGaT Center For Human Genetics Tuebingen Variant Classification Criteria Version 2. Collection method: clinical testing. Allele origin: germline. Affected: yes. Observed: 1 variant allele.
Comment: BAP1: PP2

Labcorp Genetics (formerly Invitae), Labcorp
Classification: Uncertain significance for BAP1-related tumor predisposition syndrome. Last evaluated: 2026-01-28. Review status: criteria provided, single submitter. Criteria: Invitae Variant Classification Sherloc (09022015). Collection method: clinical testing. Allele origin: germline.
Comment: This sequence change replaces threonine, which is neutral and polar, with methionine, which is neutral and non-polar, at codon 69 of the BAP1 protein (p.Thr69Met). This variant is present in population databases (rs572063023, gnomAD 0.009%). This variant has not been reported in the literature in individuals affected with BAP1-related conditions. ClinVar contains an entry for this variant (Variation ID: 472690). Invitae Evidence Modeling of protein sequence and biophysical properties (such as structural, functional, and spatial information, amino acid conservation, physicochemical variation, residue mobility, and thermodynamic stability) indicates that this missense variant is not expected to disrupt BAP1 protein function with a negative predictive value of 80%. In summary, the available evidence is currently insufficient to determine the role of this variant in disease. Therefore, it has been classified as a Variant of Uncertain Significance.

PreventionGenetics, part of Exact Sciences
Classification: Uncertain significance for BAP1-related condition. Last evaluated: 2025-06-30. Review status: criteria provided, single submitter. Criteria: ACMG Guidelines, 2015. Collection method: clinical testing. Allele origin: germline.
Comment: The BAP1 c.206C>T variant is predicted to result in the amino acid substitution p.Thr69Met. To our knowledge, this variant has not been reported in the literature. This variant is reported in 0.0082% of alleles in individuals of African descent in gnomAD. This variant has interpretations of likely benign and uncertain significance in ClinVar. At this time, the clinical significance of this variant is uncertain due to the absence of conclusive functional and genetic evidence.

Blueprint Genetics
Classification: Uncertain significance. Last evaluated: 2024-08-14. Review status: criteria provided, single submitter. Criteria: ACMG Guidelines, 2015. Collection method: clinical testing. Allele origin: germline.

Color Diagnostics, LLC DBA Color Health
Classification: Uncertain significance for Hereditary cancer-predisposing syndrome. Last evaluated: 2024-07-30. Review status: criteria provided, single submitter. Criteria: ACMG Guidelines, 2015. Collection method: clinical testing. Allele origin: germline.
Comment: This missense variant replaces threonine with methionine at codon 69 of the BAP1 protein. Computational prediction suggests that this variant may not impact protein structure and function. To our knowledge, functional studies have not been reported for this variant. This variant has not been reported in individuals affected with BAP1-related disorders in the literature. This variant has been identified in 11/277704 chromosomes in the general population by the Genome Aggregation Database (gnomAD). The available evidence is insufficient to determine the role of this variant in disease conclusively. Therefore, this variant is classified as a Variant of Uncertain Significance.

Myriad Genetics, Inc.
Classification: Likely benign for BAP1-related tumor predisposition syndrome. Last evaluated: 2024-07-11. Review status: criteria provided, single submitter. Criteria: Myriad Autosomal Dominant, Autosomal Recessive and X-Linked Classification Criteria (2023). Collection method: clinical testing. Allele origin: unknown.
Comment: This variant is considered likely benign. This variant has been observed at a population frequency that is significantly greater than expected given the associated disease prevalence and penetrance.

Quest Diagnostics Nichols Institute San Juan Capistrano
Classification: Uncertain significance. Last evaluated: 2024-07-01. Review status: criteria provided, single submitter. Criteria: Quest Diagnostics criteria. Collection method: clinical testing. Allele origin: unknown.
Comment: The BAP1 c.206C>T (p.Thr69Met) variant has not been reported in individuals with BAP1-related conditions in the published literature. The frequency of this variant in the general population, 0.000071 (9/126588 chromosomes (Genome Aggregation Database)), is uninformative in the assessment of its pathogenicity. Analysis of this variant using bioinformatics tools for the prediction of the effect of amino acid changes on protein structure and function yielded predictions that this variant is benign. Based on the available information, we are unable to determine the clinical significance of this variant.

GeneDx
Classification: Uncertain significance. Last evaluated: 2024-04-30. Review status: criteria provided, single submitter. Criteria: GeneDx Variant Classification Process June 2021. Collection method: clinical testing. Allele origin: germline.
Comment: In silico analysis indicates that this missense variant does not alter protein structure/function; Has not been previously published as pathogenic or benign to our knowledge; This variant is associated with the following publications: (PMID: 32181510)

St. Jude Molecular Pathology, St. Jude Children's Research Hospital
Classification: Uncertain significance for BAP1-related tumor predisposition syndrome. Last evaluated: 2024-03-20. Review status: criteria provided, single submitter. Criteria: St. Jude Assertion Criteria 2020. Collection method: clinical testing. Allele origin: germline.
Comment: The BAP1 c.206C>T (p.Thr69Met) missense change has a maximum subpopulation frequency of 0.008% in gnomAD v2.1.1. The in silico tool REVEL predicts a benign effect on protein function, but to our knowledge this prediction has not been confirmed by functional studies. To our knowledge, this variant has not been reported in the literature in individuals with BAP1-related tumor predisposition syndrome. In summary, the evidence currently available is insufficient to determine the clinical significance of this variant. It has therefore been classified as of uncertain significance.?

Baylor Genetics
Classification: Uncertain significance for BAP1-related tumor predisposition syndrome. Last evaluated: 2023-08-25. Review status: criteria provided, single submitter. Criteria: ACMG Guidelines, 2015. Collection method: clinical testing. Allele origin: unknown.

MGZ Medical Genetics Center
Classification: Uncertain significance for BAP1-related tumor predisposition syndrome. Last evaluated: 2021-09-29. Review status: criteria provided, single submitter. Criteria: ACMG Guidelines, 2015. Collection method: clinical testing. Allele origin: germline. Affected: yes. Observed: 1 variant allele.
Comment: ACMG criteria applied: PM2_SUP, BP4

Ambry Genetics
Classification: Likely benign for Hereditary cancer-predisposing syndrome. Last evaluated: 2021-09-28. Review status: criteria provided, single submitter. Criteria: Ambry Variant Classification Scheme 2023. Collection method: clinical testing. Allele origin: germline.

Mendelics
Classification: Uncertain significance for Tumor susceptibility linked to germline BAP1 mutations. Last evaluated: 2018-07-02. Review status: criteria provided, single submitter. Criteria: Mendelics Assertion Criteria 2017. Collection method: clinical testing. Allele origin: unknown.

NM_004656.4(BAP1):c.206C>T (p.Thr69Met)

Gene: BAP1 (BRCA1 associated deubiquitinase 1; minus strand). Cytogenetic location: 3p21.1.
Variant type: single nucleotide variant.
Coding change: c.206C>T on transcript NM_004656.4 (MANE Select); coding-DNA position 206, C replaced by T.
Protein change: p.Thr69Met; replaces threonine 69 with methionine.
Molecular consequence: missense variant.
Genome position (GRCh38, 1-based): chr3:52,408,523, G>A on the plus strand (C>T on the coding strand, the complement: BAP1 is on the minus strand). VCF-style: chr3-52408523-G-A. GRCh37 (hg19) VCF-style: chr3-52442539-G-A.
Other names: short protein forms T69M.
Identifiers: ClinVar variation 472690 (VCV000472690.31), dbSNP rs572063023, ClinGen allele CA2437160.